The following is an entry in ClinVar:

ClinVar aggregate classification (germline): Uncertain significance (1 of 4 stars; one submission).

Allele frequency attached by ClinVar (database versions not stated): TOPMed below 0.00001.

Submission:

Labcorp Genetics (formerly Invitae), Labcorp
Classification: Uncertain significance. Last evaluated: 2024-01-27. Review status: criteria provided, single submitter. Criteria: Invitae Variant Classification Sherloc (09022015). Collection method: clinical testing. Allele origin: germline.
Comment: This sequence change replaces glycine, which is neutral and non-polar, with alanine, which is neutral and non-polar, at codon 492 of the CAD protein (p.Gly492Ala). This variant is not present in population databases (gnomAD no frequency). This variant has not been reported in the literature in individuals affected with CAD-related conditions. An algorithm developed to predict the effect of missense changes on protein structure and function (PolyPhen-2) suggests that this variant is likely to be disruptive. In summary, the available evidence is currently insufficient to determine the role of this variant in disease. Therefore, it has been classified as a Variant of Uncertain Significance.

NM_004341.5(CAD):c.1475G>C (p.Gly492Ala)

Gene: CAD (carbamoyl-phosphate synthetase 2, aspartate transcarbamylase, and dihydroorotase; plus strand). Cytogenetic location: 2p23.3.
Variant type: single nucleotide variant.
Coding change: c.1475G>C on transcript NM_004341.5 (MANE Select); coding-DNA position 1475, G replaced by C.
Protein change: p.Gly492Ala; replaces glycine 492 with alanine.
Molecular consequence: missense variant.
Genome position (GRCh38, 1-based): chr2:27,225,098, G>C. VCF-style: chr2-27225098-G-C. GRCh37 (hg19) VCF-style: chr2-27447966-G-C.
Other names: c.1475G>C, p.Gly492Ala (NM_001306079.2); short protein forms G492A.
Identifiers: ClinVar variation 2713428 (VCV002713428.1), dbSNP rs919994787, ClinGen allele CA44497935.